The following is an entry in ClinVar:

NM_001271938.2(MEGF8):c.328C>A (p.Pro110Thr)

Gene: MEGF8 (multiple EGF like domains 8; plus strand). Cytogenetic location: 19q13.2.
Variant type: single nucleotide variant.
Coding change: c.328C>A on transcript NM_001271938.2 (MANE Select); coding-DNA position 328, C replaced by A.
Protein change: p.Pro110Thr; replaces proline 110 with threonine.
Molecular consequence: missense variant.
Genome position (GRCh38, 1-based): chr19:42,333,745, C>A. VCF-style: chr19-42333745-C-A. GRCh37 (hg19) VCF-style: chr19-42837897-C-A.
Other names: c.328C>A, p.Pro110Thr (NM_001410.3); short protein forms P110T.
Identifiers: ClinVar variation 2427936 (VCV002427936.4), dbSNP rs183986572, ClinGen allele CA9474125.

ClinVar aggregate classification (germline): Uncertain significance (1 of 4 stars; one submission).

Conditions:
MEGF8-related Carpenter syndrome. Also called: Carpenter syndrome 2. Identifiers: Orphanet 65759, MedGen C3554247, MONDO:0013998, OMIM 614976.

Allele frequency attached by ClinVar (database versions not stated): ExAC 0.00013; gnomAD 0.00039; 1000 Genomes Project 0.00040; TOPMed 0.00044; 1000 Genomes Project 30x 0.00047; ESP Exome Variant Server 0.00056.
gnomAD v4.1: 91 of 1,613,928 alleles (0.0056%); highest among the groups gnomAD compares: African/African-American, 0.11%; no homozygotes.

Submission:

Labcorp Genetics (formerly Invitae), Labcorp
Classification: Uncertain significance for MEGF8-related Carpenter syndrome. Last evaluated: 2023-10-13. Review status: criteria provided, single submitter. Criteria: Invitae Variant Classification Sherloc (09022015). Collection method: clinical testing. Allele origin: germline.
Comment: This sequence change replaces proline, which is neutral and non-polar, with threonine, which is neutral and polar, at codon 110 of the MEGF8 protein (p.Pro110Thr). This variant is present in population databases (rs183986572, gnomAD 0.1%). This variant has not been reported in the literature in individuals affected with MEGF8-related conditions. ClinVar contains an entry for this variant (Variation ID: 2427936). An algorithm developed to predict the effect of missense changes on protein structure and function (PolyPhen-2) suggests that this variant¬†is likely to be tolerated. In summary, the available evidence is currently insufficient to determine the role of this variant in disease. Therefore, it has been classified as a Variant of Uncertain Significance.